The following is an entry in ClinVar:

ClinVar aggregate classification (germline): Uncertain significance (1 of 4 stars; one submission).

Conditions:
Combined oxidative phosphorylation defect type 11. Also called: ENCEPHALONEUROMYOPATHY, INFANTILE, DUE TO MITOCHONDRIAL TRANSLATION DEFECT; Combined oxidative phosphorylation deficiency 11. Identifiers: Orphanet 324535, MedGen C5190991, MONDO:0013969, OMIM 614922.

Allele frequency attached by ClinVar (database versions not stated): gnomAD exomes below 0.00001; TOPMed 0.00001; gnomAD 0.00001.
gnomAD v4.1: 3 of 1,613,810 alleles (0.00019%); highest among the groups gnomAD compares: African/African-American, 0.004%; no homozygotes.

Submission:

Baylor Genetics
Classification: Uncertain significance for Combined oxidative phosphorylation defect type 11. Last evaluated: 2019-02-01. Review status: criteria provided, single submitter. Criteria: ACMG Guidelines, 2015. Collection method: clinical testing. Allele origin: unknown. Affected: yes.
Comment: This variant was determined to be of uncertain significance according to ACMG Guidelines, 2015 [PMID:25741868].

NM_017909.4(RMND1):c.530C>T (p.Ala177Val)

Gene: RMND1 (required for meiotic nuclear division 1 homolog; minus strand). Cytogenetic location: 6q25.1.
Variant type: single nucleotide variant.
Coding change: c.530C>T on transcript NM_017909.4 (MANE Select); coding-DNA position 530, C replaced by T.
Protein change: p.Ala177Val; replaces alanine 177 with valine.
Molecular consequence: missense variant.
Genome position (GRCh38, 1-based): chr6:151,436,529, G>A on the plus strand (C>T on the coding strand, the complement: RMND1 is on the minus strand). VCF-style: chr6-151436529-G-A. GRCh37 (hg19) VCF-style: chr6-151757664-G-A.
Other names: c.20C>T, p.Ala7Val (NM_001271937.2); short protein forms A177V, A7V.
Identifiers: ClinVar variation 1029661 (VCV001029661.1), dbSNP rs1261711776, ClinGen allele CA366062963.